The following is an entry in ClinVar:

ClinVar aggregate classification (germline): Uncertain significance. Review status: reviewed by expert panel (3 of 4 stars). 2 submissions from 2 submitters: Uncertain significance (1). 1 of the submissions does not count toward it. Last evaluated 2024-12-03.

Conditions:
RASopathy. Also called: rasopathies; Noonan spectrum disorder. Identifiers: Orphanet 536391, MedGen C5555857, MONDO:0021060.
Hereditary cancer-predisposing syndrome. Also called: Hereditary Cancer Syndrome; Hereditary neoplastic syndrome; Tumor predisposition; Neoplastic Syndromes, Hereditary. Identifiers: Orphanet 140162, MedGen C0027672, MeSH D009386, MONDO:0015356.
Cardiovascular phenotype. Identifiers: MedGen CN230736.

Submissions (2):

ClinGen RASopathy Variant Curation Expert Panel
Classification: Uncertain significance for RASopathy. Last evaluated: 2024-12-03. Review status: reviewed by expert panel. Criteria: ClinGen RASopathy ACMG Specifications LZTR1 V1.3.0. Collection method: curation. Allele origin: germline. Inheritance: Autosomal recessive inheritance.
Comment: The c.650A>C variant in LZTR1 is a missense variant predicted to cause substitution of glutamic acid by alanine at amino acid 217 (p.Glu217Ala). This variant is absent from gnomAD v2.1.1 (PM2_Supporting). The computational predictor REVEL gives a score of 0.287, which is below the threshold of 0.3, evidence that does not predict a damaging effect on LZTR1 function (BP4). They were homozygous for the variant (0.5 PM3 points, PMID: 29469822) (PM3_Supporting). LZTR1 stability in COS-1 cells showed significantly reduced expression levels compared to wildtype indicating that this variant impacts protein function (PMID:30481304)(PS3_Supporting). In summary, this variant meets the criteria to be classified as uncertain significance with conflicting evidence for autosomal recessive RASopathy based on the ACMG/AMP criteria applied, as specified by the ClinGen RASopathy VCEP: PS3_Supporting, PM2_Supporting, PM3_Supporting, BP4. (ClinGen RASopathy VCEP specifications version 1.3; 12/3/2024)

Ambry Genetics
Classification: Pathogenic for Cardiovascular phenotype; Hereditary cancer-predisposing syndrome. Last evaluated: 2024-12-09. Review status: criteria provided, single submitter. Criteria: Ambry Variant Classification Scheme 2023. Collection method: clinical testing. Allele origin: germline. Not counted in ClinVar's aggregate classification.
Comment: The c.650A>C p.E217A pathogenic mutation (also known as p.E217A), located in coding exon 7 of the LZTR1 gene, results from an A to C substitution at nucleotide position 650. The glutamic acid at codon 217 is replaced by alanine, an amino acid with dissimilar properties. This variant has been identified in the homozygous state in an individuals with features consistent with Noonan syndrome (Johnston JJ et al. Genet Med, 2018 Oct;20:1175-1185). This nucleotide position is highly conserved in available vertebrate species. In silico splice site analysis predicts that this alteration will weaken the native splice donor site and may result in the creation or strengthening of a novel splice donor site. RNA studies have demonstrated that this alteration results in abnormal splicing in the set of samples tested (Ambry internal data). This variant is considered to be rare based on population cohorts in the Genome Aggregation Database (gnomAD). Loss-of-function variants in LZTR1 are related to an increased risk for schwannomas and autosomal recessive Noonan syndrome; however, such associations with autosomal dominant Noonan syndrome have not been observed (Piotrowski A et al. Nat Genet. 2014 Feb;46:182-7; Yamamoto GL et al. J Med Genet. 2015 Jun;52:413-21; Johnston JJ et al. Genet Med. 2018 10;20:1175-1185). Based on the supporting evidence, this variant is pathogenic for an increased risk of LZTR1-related schwannomatosis (SWN) and would be expected to cause autosomal recessive Noonan syndrome when present along with a second pathogenic or likely pathogenic variant on the other allele; however, the association of this alteration with autosomal dominant Noonan syndrome is unlikely.

Literature cited by the submitters: PubMed 29469822 (cited by Ambry Genetics).

NM_006767.4(LZTR1):c.650A>C (p.Glu217Ala)

Gene: LZTR1 (leucine zipper like post translational regulator 1; plus strand). Cytogenetic location: 22q11.21.
Variant type: single nucleotide variant.
Coding change: c.650A>C on transcript NM_006767.4 (MANE Select); coding-DNA position 650, A replaced by C.
Protein change: p.Glu217Ala; replaces glutamic acid 217 with alanine.
Molecular consequence: missense variant.
Genome position (GRCh38, 1-based): chr22:20,989,681, A>C. VCF-style: chr22-20989681-A-C. GRCh37 (hg19) VCF-style: chr22-21343970-A-C.
Other names: NM_006767.4:c.650A>C; short protein forms E217A.
Identifiers: ClinVar variation 3541717 (VCV003541717.1).